The following is an entry in ClinVar:

ClinVar aggregate classification (germline): not provided (0 of 4 stars; one submission).

Allele frequency attached by ClinVar (database versions not stated): ESP Exome Variant Server 0.00032; ExAC 0.00039; gnomAD exomes 0.00041 and 0.00094; gnomAD 0.00057 and 0.00078; TOPMed 0.00092.

Submission:

ITMI
No classification provided. Condition: AllHighlyPenetrant. Last evaluated: 2013-09-19. Review status: no classification provided. Collection method: reference population. Allele origin: germline.
Comment: Please see associated publication for description of ethnicities

Literature cited by the submitters: PubMed 24728327.

NM_001190274.2(FBXO11):c.2227+68del

Gene: FBXO11 (F-box protein 11; minus strand). Cytogenetic location: 2p16.3.
Variant type: Deletion.
Coding change: c.2227+68del on transcript NM_001190274.2 (MANE Select); 68 bases into the intron after coding-DNA position 2227, one base deleted (C; older notation c.2227+68delC).
Molecular consequence: intron variant.
Genome position (GRCh38, 1-based): chr2:47,813,166, G deleted on the plus strand (C on the coding strand, the reverse complement: FBXO11 is on the minus strand). VCF-style (leftmost placement, unchanged base first): chr2-47813165-TG-T. GRCh37 (hg19) VCF-style: chr2-48040304-TG-T.
Other names: c.1975+68del (NM_001374325.1, NM_025133.4).
Identifiers: ClinVar variation 135545 (VCV000135545.1), dbSNP rs551275428, ClinGen allele CA163002.
Genomic context (GRCh38, chr2:47,813,165, plus strand): 5'-CAACTTGATAAGGAAAAAGACTTGAGATTCACTCATTTATAACTTAGTTAGCAATGTCAT[TG>T]ATCATTAAAGATATGGAAGAATAATGGAAAACTGGATTTTTCACTAATGCAAAATTAACA-3'